The following is an entry in ClinVar:

ClinVar aggregate classification (germline): Uncertain significance. Review status: criteria provided, multiple submitters, no conflicts (2 of 4 stars). 2 submissions from 2 submitters: Uncertain significance (2). Last evaluated 2025-10-26.

Conditions:
Hereditary cancer-predisposing syndrome. Also called: Hereditary neoplastic syndrome; Neoplastic Syndromes, Hereditary; Tumor predisposition; Hereditary Cancer Syndrome. Identifiers: Orphanet 140162, MedGen C0027672, MeSH D009386, MONDO:0015356.
Familial cancer of breast. Also called: Hereditary breast cancer; hereditary breast carcinoma; BREAST CANCER, FAMILIAL. Identifiers: Orphanet 227535, MedGen C0346153, MONDO:0016419, OMIM 114480. Disease mechanism: loss of function.

gnomAD v4.1: 2 of 1,614,082 alleles (0.00012%); highest among the groups gnomAD compares: Non-Finnish European, 0.00017%; no homozygotes.

Submissions (2):

Labcorp Genetics (formerly Invitae), Labcorp
Classification: Uncertain significance for Familial cancer of breast. Last evaluated: 2025-10-26. Review status: criteria provided, single submitter. Criteria: Invitae Variant Classification Sherloc (09022015). Collection method: clinical testing. Allele origin: germline.
Comment: This sequence change replaces methionine, which is neutral and non-polar, with isoleucine, which is neutral and non-polar, at codon 408 of the BARD1 protein (p.Met408Ile). This variant is not present in population databases (gnomAD no frequency). This variant has not been reported in the literature in individuals affected with BARD1-related conditions. ClinVar contains an entry for this variant (Variation ID: 948107). An algorithm developed to predict the effect of missense changes on protein structure and function outputs the following: PolyPhen-2: "Benign". The isoleucine amino acid residue is found in multiple mammalian species, which suggests that this missense change does not adversely affect protein function. In summary, the available evidence is currently insufficient to determine the role of this variant in disease. Therefore, it has been classified as a Variant of Uncertain Significance.

Ambry Genetics
Classification: Uncertain significance for Hereditary cancer-predisposing syndrome. Last evaluated: 2024-08-24. Review status: criteria provided, single submitter. Criteria: Ambry Variant Classification Scheme 2023. Collection method: clinical testing. Allele origin: germline.
Comment: The p.M408I variant (also known as c.1224G>A), located in coding exon 4 of the BARD1 gene, results from a G to A substitution at nucleotide position 1224. The methionine at codon 408 is replaced by isoleucine, an amino acid with highly similar properties. This amino acid position is conserved. In addition, this alteration is predicted to be tolerated by in silico analysis. Since supporting evidence is limited at this time, the clinical significance of this alteration remains unclear.

NM_000465.4(BARD1):c.1224G>A (p.Met408Ile)

Gene: BARD1 (BRCA1 associated RING domain 1; minus strand). Cytogenetic location: 2q35.
Variant type: single nucleotide variant.
Coding change: c.1224G>A on transcript NM_000465.4 (MANE Select); coding-DNA position 1224, G replaced by A.
Protein change: p.Met408Ile; replaces methionine 408 with isoleucine.
Molecular consequence: missense variant. On other transcripts: non-coding transcript variant (2), intron variant (3).
Genome position (GRCh38, 1-based): chr2:214,780,650, C>T on the plus strand (G>A on the coding strand, the complement: BARD1 is on the minus strand). VCF-style: chr2-214780650-C-T. GRCh37 (hg19) VCF-style: chr2-215645374-C-T.
Other names: c.1167G>A, p.Met389Ile (NM_001282543.2); c.159-28095G>A (NM_001282548.2); c.215+16411G>A (NM_001282545.2); c.364+11647G>A (NM_001282549.2); short protein forms M408I, M389I.
Identifiers: ClinVar variation 948107 (VCV000948107.12), dbSNP rs1694945753, ClinGen allele CA350453660.